The following is an entry in ClinVar:

NM_000535.7(PMS2):c.1204C>A (p.Gln402Lys)

Gene: PMS2 (PMS1 homolog 2, mismatch repair system component; minus strand). Cytogenetic location: 7p22.1.
Variant type: single nucleotide variant.
Coding change: c.1204C>A on transcript NM_000535.7 (MANE Select); coding-DNA position 1204, C replaced by A.
Protein change: p.Gln402Lys; replaces glutamine 402 with lysine.
Molecular consequence: missense variant. On other transcripts: non-coding transcript variant (1).
Genome position (GRCh38, 1-based): chr7:5,987,561, G>T on the plus strand (C>A on the coding strand, the complement: PMS2 is on the minus strand). VCF-style: chr7-5987561-G-T. GRCh37 (hg19) VCF-style: chr7-6027192-G-T.
Other names: c.799C>A, p.Gln267Lys (NM_001322003.2, NM_001322004.2, NM_001322005.2 and 1 more transcripts); c.1048C>A, p.Gln350Lys (NM_001322006.2); c.886C>A, p.Gln296Lys (NM_001322007.2, NM_001322008.2); c.643C>A, p.Gln215Lys (NM_001322010.2); c.271C>A, p.Gln91Lys (NM_001322011.2, NM_001322012.2); c.631C>A, p.Gln211Lys (NM_001322013.2); c.1204C>A, p.Gln402Lys (NM_001322014.2); c.895C>A, p.Gln299Lys (NM_001322015.2); short protein forms Q402K, Q215K, Q211K, Q299K, Q350K, Q296K, Q91K, Q267K.
Identifiers: ClinVar variation 142879 (VCV000142879.21), dbSNP rs587782789, ClinGen allele CA009322.

ClinVar aggregate classification (germline): Conflicting classifications of pathogenicity. Review status: criteria provided, conflicting classifications (1 of 4 stars). 5 submissions from 5 submitters: Uncertain significance (4); Likely benign (1). Last evaluated 2024-12-19.

Conditions:
Hereditary nonpolyposis colorectal neoplasms. Identifiers: MedGen C0009405, MeSH D003123.
Mismatch repair cancer syndrome 4. Identifiers: MedGen C5436817, MONDO:0030843, OMIM 619101.
Lynch syndrome 4 (LYNCH4). Also called: Colorectal cancer, hereditary nonpolyposis, type 4; Hereditary non-polyposis colorectal cancer, type 4. Identifiers: Orphanet 144, MedGen C1838333, MONDO:0013699, OMIM 614337. Disease mechanism: loss of function.
Hereditary cancer-predisposing syndrome. Also called: Hereditary Cancer Syndrome; Neoplastic Syndromes, Hereditary; Hereditary neoplastic syndrome; Tumor predisposition. Identifiers: Orphanet 140162, MedGen C0027672, MeSH D009386, MONDO:0015356.

gnomAD v4.1: 3 of 1,613,350 alleles (0.00019%); highest among the groups gnomAD compares: Admixed American, 0.0033%; no homozygotes.

Submissions (5):

Labcorp Genetics (formerly Invitae), Labcorp
Classification: Uncertain significance for Hereditary nonpolyposis colorectal neoplasms. Last evaluated: 2024-12-19. Review status: criteria provided, single submitter. Criteria: Invitae Variant Classification Sherloc (09022015). Collection method: clinical testing. Allele origin: germline.
Comment: This sequence change replaces glutamine, which is neutral and polar, with lysine, which is basic and polar, at codon 402 of the PMS2 protein (p.Gln402Lys). This variant is not present in population databases (gnomAD no frequency). This variant has not been reported in the literature in individuals affected with PMS2-related conditions. ClinVar contains an entry for this variant (Variation ID: 142879). Invitae Evidence Modeling incorporating data from in vitro experimental studies (internal data) indicates that this missense variant is not expected to disrupt PMS2 function with a negative predictive value of 95%. In summary, the available evidence is currently insufficient to determine the role of this variant in disease. Therefore, it has been classified as a Variant of Uncertain Significance.

Ambry Genetics
Classification: Likely benign for Hereditary cancer-predisposing syndrome. Last evaluated: 2024-05-03. Review status: criteria provided, single submitter. Criteria: Ambry Variant Classification Scheme 2023. Collection method: clinical testing. Allele origin: germline.

Department of Pathology and Laboratory Medicine, Sinai Health System
Classification: Uncertain significance for Lynch syndrome 4; Mismatch repair cancer syndrome 4. Last evaluated: 2021-06-30. Review status: criteria provided, single submitter. Criteria: ACMG Guidelines, 2015. Collection method: clinical testing. Allele origin: germline. Affected: yes.

Color Diagnostics, LLC DBA Color Health
Classification: Uncertain significance for Hereditary cancer-predisposing syndrome. Last evaluated: 2020-02-09. Review status: criteria provided, single submitter. Criteria: ACMG Guidelines, 2015. Collection method: clinical testing. Allele origin: germline.
Comment: This missense variant replaces glutamine with lysine at codon 402 of the PMS2 protein. Computational prediction suggests that this variant may not impact protein structure and function (internally defined REVEL score threshold <= 0.5, PMID: 27666373). Splice site prediction tools suggest that this variant may not impact RNA splicing. To our knowledge, functional studies have not been performed for this variant. This variant has not been reported in individuals affected with hereditary cancer in the literature. This variant has not been identified in the general population by the Genome Aggregation Database (gnomAD). The available evidence is insufficient to determine the role of this variant in disease conclusively. Therefore, this variant is classified as a Variant of Uncertain Significance.

GeneDx
Classification: Uncertain significance. Last evaluated: 2019-04-30. Review status: criteria provided, single submitter. Criteria: GeneDx Variant Classification Process June 2021. Collection method: clinical testing. Allele origin: germline. Affected: yes.
Comment: Not observed in large population cohorts (Lek et al., 2016); In silico analysis, which includes protein predictors and evolutionary conservation, supports that this variant does not alter protein structure/function; Has not been previously published as pathogenic or benign to our knowledge